The following is an entry in ClinVar:

ClinVar aggregate classification (germline): Uncertain significance. Review status: criteria provided, multiple submitters, no conflicts (2 of 4 stars). 3 submissions from 3 submitters: Uncertain significance (3). Last evaluated 2025-05-01.

Conditions:
Autoinflammatory syndrome. Identifiers: Orphanet 93665, MedGen C3890737, MONDO:0019751.
Cryopyrin associated periodic syndrome (CAPS). Identifiers: Orphanet 208650, MedGen C2316212, MONDO:0016168.

Allele frequency attached by ClinVar (database versions not stated): gnomAD exomes below 0.00001 and 0.00001; TOPMed below 0.00001; gnomAD 0.00001.
gnomAD v4.1: 12 of 1,614,020 alleles (0.00074%); highest among the groups gnomAD compares: Non-Finnish European, 0.00085%; no homozygotes.

Submissions (3):

GeneDx
Classification: Uncertain significance. Last evaluated: 2025-05-01. Review status: criteria provided, single submitter. Criteria: GeneDx Variant Classification Process June 2021. Collection method: clinical testing. Allele origin: germline. Affected: yes.
Comment: In silico analysis supports that this missense variant has a deleterious effect on protein structure/function; Has not been previously published as pathogenic or benign to our knowledge

Labcorp Genetics (formerly Invitae), Labcorp
Classification: Uncertain significance for Cryopyrin associated periodic syndrome. Last evaluated: 2019-11-21. Review status: criteria provided, single submitter. Criteria: Invitae Variant Classification Sherloc (09022015). Collection method: clinical testing. Allele origin: germline.
Comment: This sequence change replaces serine with glycine at codon 970 of the NLRP3 protein (p.Ser970Gly). The serine residue is moderately conserved and there is a small physicochemical difference between serine and glycine. This variant is not present in population databases (ExAC no frequency). This variant has not been reported in the literature in individuals with NLRP3-related conditions. Algorithms developed to predict the effect of missense changes on protein structure and function (SIFT, PolyPhen-2, Align-GVGD) all suggest that this variant is likely to be tolerated, but these predictions have not been confirmed by published functional studies and their clinical significance is uncertain. In summary, the available evidence is currently insufficient to determine the role of this variant in disease. Therefore, it has been classified as a Variant of Uncertain Significance.

Genome Diagnostics Laboratory, The Hospital for Sick Children
Classification: Uncertain significance for Autoinflammatory syndrome. Last evaluated: 2018-05-01. Review status: criteria provided, single submitter. Criteria: ACMG Guidelines, 2015. Collection method: clinical testing. Allele origin: germline. Affected: yes.

NM_001243133.2(NLRP3):c.2902A>G (p.Ser968Gly)

Gene: NLRP3 (NLR family pyrin domain containing 3; plus strand). Cytogenetic location: 1q44.
Variant type: single nucleotide variant.
Coding change: c.2902A>G on transcript NM_001243133.2 (MANE Select); coding-DNA position 2902, A replaced by G.
Protein change: p.Ser968Gly; replaces serine 968 with glycine.
Molecular consequence: missense variant.
Genome position (GRCh38, 1-based): chr1:247,444,718, A>G. VCF-style: chr1-247444718-A-G. GRCh37 (hg19) VCF-style: chr1-247608020-A-G.
Other names: c.2902A>G, p.Ser968Gly (NM_001079821.3); c.2731A>G, p.Ser911Gly (NM_001127461.3, NM_001127462.3); c.2908A>G, p.Ser970Gly (NM_004895.5); c.2560A>G, p.Ser854Gly (NM_183395.3); short protein forms S911G, S968G, S970G, S854G.
Identifiers: ClinVar variation 843854 (VCV000843854.13), dbSNP rs1408232607, ClinGen allele CA345565624.
Genomic context (GRCh38, chr1:247,444,718, plus strand): 5'-AACTGCAACCTCACGTCACACTGCTGCTGGGATCTTTCCACACTTCTGACCTCCAGCCAG[A>G]GCCTGCGAAAGCTGAGCCTGGGCAACAATGACCTGGGCGACCTGGGGGTCATGATGTTCT-3'
Protein context (NP_001230062.1, residues 958-978): DLSTLLTSSQ[Ser968Gly]LRKLSLGNND